The following is an entry in ClinVar:

NM_000235.4(LIPA):c.1046A>G (p.Asp349Gly)

Gene: LIPA (lipase A, lysosomal acid type; minus strand). Cytogenetic location: 10q23.31.
Variant type: single nucleotide variant.
Coding change: c.1046A>G on transcript NM_000235.4 (MANE Select); coding-DNA position 1046, A replaced by G.
Protein change: p.Asp349Gly; replaces aspartic acid 349 with glycine.
Molecular consequence: missense variant.
Genome position (GRCh38, 1-based): chr10:89,214,982, T>C on the plus strand (A>G on the coding strand, the complement: LIPA is on the minus strand). VCF-style: chr10-89214982-T-C. GRCh37 (hg19) VCF-style: chr10-90974739-T-C.
Other names: c.1046A>G, p.Asp349Gly (NM_001127605.3); c.698A>G, p.Asp233Gly (NM_001288979.2); c.1046A>G (NM_000235.2); short protein forms D349G, D233G.
Identifiers: ClinVar variation 286308 (VCV000286308.9), dbSNP rs149459699, ClinGen allele CA5593519.

ClinVar aggregate classification (germline): Uncertain significance. Review status: criteria provided, multiple submitters, no conflicts (2 of 4 stars). 4 submissions from 4 submitters: Uncertain significance (3). 1 of the submissions does not count toward it. Last evaluated 2022-07-02.

Conditions:
Cardiovascular phenotype. Identifiers: MedGen CN230736.
Lysosomal acid lipase deficiency. Also called: Acid cholesteryl ester hydrolase deficiency, type 2. Identifiers: Orphanet 275761, MedGen C5574740, MONDO:0800449, MONDO:0010204.
Wolman disease (WOLD). Also called: LYSOSOMAL ACID LIPASE DEFICIENCY, ACUTE INFANTILE; LYSOSOMAL ACID LIPASE DEFICIENCY, COMPLETE; LIPA DEFICIENCY, COMPLETE; LAL DEFICIENCY, COMPLETE; CHOLESTEROL ESTER HYDROLASE DEFICIENCY, COMPLETE; Acid cholesteryl ester hydrolase deficiency, Wolman type. Identifiers: Orphanet 75233, MedGen C0043208, MONDO:0019148, OMIM 620151.

Allele frequency attached by ClinVar (database versions not stated): ExAC 0.00009; gnomAD exomes 0.00005 and 0.00003; ESP Exome Variant Server 0.00015; gnomAD 0.00026 and 0.00027; TOPMed 0.00026; 1000 Genomes Project 30x 0.00031; 1000 Genomes Project 0.00040.
gnomAD v4.1: 82 of 1,614,162 alleles (0.0051%); highest among the groups gnomAD compares: African/African-American, 0.084%; no homozygotes.

Submissions (4):

Labcorp Genetics (formerly Invitae), Labcorp
Classification: Uncertain significance for Wolman disease. Last evaluated: 2022-07-02. Review status: criteria provided, single submitter. Criteria: Invitae Variant Classification Sherloc (09022015). Collection method: clinical testing. Allele origin: germline.
Comment: This sequence change replaces aspartic acid, which is acidic and polar, with glycine, which is neutral and non-polar, at codon 349 of the LIPA protein (p.Asp349Gly). This variant is present in population databases (rs149459699, gnomAD 0.07%). This variant has not been reported in the literature in individuals affected with LIPA-related conditions. ClinVar contains an entry for this variant (Variation ID: 286308). Algorithms developed to predict the effect of missense changes on protein structure and function are either unavailable or do not agree on the potential impact of this missense change (SIFT: "Tolerated"; PolyPhen-2: "Probably Damaging"; Align-GVGD: "Class C0"). Algorithms developed to predict the effect of sequence changes on RNA splicing suggest that this variant may create or strengthen a splice site. In summary, the available evidence is currently insufficient to determine the role of this variant in disease. Therefore, it has been classified as a Variant of Uncertain Significance.

Ambry Genetics
Classification: Uncertain significance for Cardiovascular phenotype. Last evaluated: 2021-08-09. Review status: criteria provided, single submitter. Criteria: Ambry Variant Classification Scheme 2023. Collection method: clinical testing. Allele origin: germline.

Eurofins Ntd Llc (ga)
Classification: Uncertain significance. Last evaluated: 2018-08-10. Review status: criteria provided, single submitter. Criteria: EGL ClinVar v180209 classification definitions. Collection method: clinical testing. Allele origin: germline. Observed: 4 variant alleles, 4 heterozygotes.

Natera, Inc.
Classification: Uncertain significance for Lysosomal acid lipase deficiency. Last evaluated: 2020-10-14. Review status: no assertion criteria provided. Collection method: clinical testing. Allele origin: germline. Not counted in ClinVar's aggregate classification.